The following is an entry in ClinVar:

ClinVar aggregate classification (germline): Uncertain significance. Review status: criteria provided, multiple submitters, no conflicts (2 of 4 stars). 2 submissions from 2 submitters: Uncertain significance (2). Last evaluated 2022-06-13.

Conditions:
Early-infantile DEE. Also called: Early infantile epileptic encephalopathy; Early infantile epileptic encephalopathy with suppression bursts; Ohtahara syndrome. Identifiers: Orphanet 1934, MedGen C0393706, MONDO:0800491.

Submissions (2):

Labcorp Genetics (formerly Invitae), Labcorp
Classification: Uncertain significance for Early-infantile DEE. Last evaluated: 2022-06-13. Review status: criteria provided, single submitter. Criteria: Invitae Variant Classification Sherloc (09022015). Collection method: clinical testing. Allele origin: germline.
Comment: This sequence change replaces cysteine, which is neutral and slightly polar, with tyrosine, which is neutral and polar, at codon 777 of the SCN1A protein (p.Cys777Tyr). This variant is not present in population databases (gnomAD no frequency). This variant has not been reported in the literature in individuals affected with SCN1A-related conditions. ClinVar contains an entry for this variant (Variation ID: 1307052). Advanced modeling of protein sequence and biophysical properties (such as structural, functional, and spatial information, amino acid conservation, physicochemical variation, residue mobility, and thermodynamic stability) performed at Invitae indicates that this missense variant is expected to disrupt SCN1A protein function. In summary, the available evidence is currently insufficient to determine the role of this variant in disease. Therefore, it has been classified as a Variant of Uncertain Significance.

GeneDx
Classification: Uncertain significance. Last evaluated: 2019-07-17. Review status: criteria provided, single submitter. Criteria: GeneDx Variant Classification Process June 2021. Collection method: clinical testing. Allele origin: germline. Affected: yes.
Comment: Not observed in large population cohorts (Lek et al., 2016); The majority of missense variants in this gene are considered pathogenic (Stenson et al., 2014); In silico analysis, which includes protein predictors and evolutionary conservation, supports a deleterious effect; Has not been previously published as pathogenic or benign to our knowledge; This substitution is predicted to be within the transmembrane segment S1 of the second homologous domain

NM_001165963.4(SCN1A):c.2330G>A (p.Cys777Tyr)

Gene: SCN1A (sodium voltage-gated channel alpha subunit 1; minus strand). Cytogenetic location: 2q24.3.
Variant type: single nucleotide variant.
Coding change: c.2330G>A on transcript NM_001165963.4 (MANE Select); coding-DNA position 2330, G replaced by A.
Protein change: p.Cys777Tyr; replaces cysteine 777 with tyrosine.
Molecular consequence: missense variant. On other transcripts: non-coding transcript variant (1), 5 prime UTR variant (1).
Genome position (GRCh38, 1-based): chr2:166,041,316, C>T on the plus strand (G>A on the coding strand, the complement: SCN1A is on the minus strand). VCF-style: chr2-166041316-C-T. GRCh37 (hg19) VCF-style: chr2-166897826-C-T.
Other names: c.2297G>A, p.Cys766Tyr (NM_006920.6, NM_001353949.2, NM_001353950.2 and 2 more transcripts); c.2294G>A, p.Cys765Tyr (NM_001353954.2, NM_001353955.2); c.2246G>A, p.Cys749Tyr (NM_001353957.2, NM_001353958.2, NM_001165964.3); c.2243G>A, p.Cys748Tyr (NM_001353960.2); c.-129G>A (NM_001353961.2); c.2330G>A, p.Cys777Tyr (NM_001202435.3, NM_001353948.2); short protein forms C748Y, C749Y, C765Y, C766Y, C777Y.
Identifiers: ClinVar variation 1307052 (VCV001307052.8), dbSNP rs2105828112, ClinGen allele CA349064190.